The following is an entry in ClinVar:

NM_133259.4(LRPPRC):c.305del (p.Lys102fs)

Gene: LRPPRC (leucine rich pentatricopeptide repeat containing; minus strand). Cytogenetic location: 2p21.
Variant type: Deletion.
Coding change: c.305del on transcript NM_133259.4 (MANE Select); coding-DNA position 305, one base deleted (A; older notation c.305delA).
Protein change: p.Lys102fs; shifts the reading frame from lysine 102.
Molecular consequence: frameshift variant.
Genome position (GRCh38, 1-based): chr2:43,982,279, T deleted on the plus strand (A on the coding strand, the reverse complement: LRPPRC is on the minus strand); the first of 3 consecutive T bases (chr2:43,982,279-43,982,281); deleting any one gives the same sequence. VCF-style (leftmost placement, unchanged base first): chr2-43982278-CT-C. GRCh37 (hg19) VCF-style: chr2-44209417-CT-C.
Other names: short protein forms K102fs.
Identifiers: ClinVar variation 2753710 (VCV002753710.3), dbSNP rs2466694885, ClinGen allele CA2697548024.

ClinVar aggregate classification (germline): Pathogenic (1 of 4 stars; one submission).

Submission:

Labcorp Genetics (formerly Invitae), Labcorp
Classification: Pathogenic. Last evaluated: 2023-08-18. Review status: criteria provided, single submitter. Criteria: Invitae Variant Classification Sherloc (09022015). Collection method: clinical testing. Allele origin: germline.
Comment: For these reasons, this variant has been classified as Pathogenic. This variant has not been reported in the literature in individuals affected with LRPPRC-related conditions. This variant is not present in population databases (gnomAD no frequency). This sequence change creates a premature translational stop signal (p.Lys102Argfs*17) in the LRPPRC gene. It is expected to result in an absent or disrupted protein product. Loss-of-function variants in LRPPRC are known to be pathogenic (PMID: 26510951).

Literature cited by the submitters: PubMed 26510951.